The following is an entry in ClinVar:

ClinVar aggregate classification (germline): Uncertain significance (1 of 4 stars; one submission).

Conditions:
Polycystic kidney disease, adult type (PKD1). Also called: Polycystic Kidney Disease 1, Autosomal Dominant; Polycystic kidney disease 1; Polycystic kidney disease 1, severe; POLYCYSTIC KIDNEY DISEASE 1 WITH OR WITHOUT POLYCYSTIC LIVER DISEASE; POLYCYSTIC KIDNEY DISEASE, ADULT, TYPE I; Polycystic Kidney, Autosomal Dominant. Identifiers: MedGen C3149841, MONDO:0008263, OMIM 173900.

Submission:

3billion
Classification: Uncertain significance for Polycystic kidney disease, adult type. Last evaluated: 2026-01-16. Review status: criteria provided, single submitter. Criteria: ACMG Guidelines, 2015. Collection method: clinical testing. Allele origin: germline. Affected: yes.
Comment: The variant is not observed in the gnomAD v4.1.0 dataset. Predicted Consequence/Location: Missense variant Therefore, this variant is classified as VUS according to the recommendation of ACMG/AMP guideline.

NM_001009944.3(PKD1):c.8358_8359delinsTT (p.Lys2786_Arg2787delinsAsnCys)

Gene: PKD1 (polycystin 1, transient receptor potential channel interacting; minus strand). Cytogenetic location: 16p13.3.
Variant type: Indel.
Coding change: c.8358_8359delinsTT on transcript NM_001009944.3 (MANE Select); coding-DNA positions 8358 to 8359, GC replaced by TT.
Protein change: p.Lys2786_Arg2787delinsAsnCys.
Molecular consequence: missense variant.
Genome position (GRCh38, 1-based): chr16:2,103,698-2,103,699, GC replaced by AA on the plus strand (GC replaced by TT on the coding strand, the reverse complement: PKD1 is on the minus strand). VCF-style: chr16-2103698-GC-AA. GRCh37 (hg19) VCF-style: chr16-2153699-GC-AA.
Other names: c.8358_8359delinsTT, p.Lys2786_Arg2787delinsAsnCys (NM_000296.4).
Identifiers: ClinVar variation 4856366 (VCV004856366.1).